The following is an entry in ClinVar:

NM_007294.4(BRCA1):c.2903_2904insTC (p.Asn969fs)

Gene: BRCA1 (BRCA1 DNA repair associated; minus strand). Cytogenetic location: 17q21.31.
Variant type: Insertion.
Coding change: c.2903_2904insTC on transcript NM_007294.4 (MANE Select); coding-DNA positions 2903 to 2904, TC inserted.
Protein change: p.Asn969fs; shifts the reading frame from asparagine 969.
Molecular consequence: frameshift variant. On other transcripts: intron variant (137).
Genome position: GRCh38 VCF-style: chr17-43092627-T-TGA. GRCh37 (hg19) VCF-style: chr17-41244644-T-TGA.
Other names: 3022insTC; c.2903_2904insTC, p.Asn969fs (NM_007294.3, NM_007300.4, NM_001407581.1 and 31 more transcripts); c.2693_2694insTC, p.Asn899fs (NM_001407906.1, NM_001407907.1, NM_001407908.1 and 13 more transcripts); c.2690_2691insTC, p.Asn898fs (NM_001407915.1, NM_001407916.1, NM_001407917.1 and 9 more transcripts); c.2780_2781insTC, p.Asn928fs (NM_001407919.1, NM_001407937.1, NM_001407938.1 and 19 more transcripts); c.2639_2640insTC, p.Asn881fs (NM_001407920.1, NM_001407921.1, NM_001407922.1 and 9 more transcripts); c.2636_2637insTC, p.Asn880fs (NM_001407930.1, NM_001407931.1, NM_001407932.1 and 2 more transcripts); c.2777_2778insTC, p.Asn927fs (NM_001407940.1, NM_001407941.1, NM_001407649.1 and 11 more transcripts); and 42 more; short protein forms N922fs, N969fs, N880fs, N943fs, N966fs, N673fs, N857fs, N858fs.
Identifiers: ClinVar variation 266317 (VCV000266317.6), dbSNP rs886040083, ClinGen allele CA10589799.

ClinVar aggregate classification (germline): Pathogenic. Review status: reviewed by expert panel (3 of 4 stars). 2 submissions from 2 submitters: Pathogenic (1). 1 of the submissions does not count toward it. Last evaluated 2016-10-18.

Conditions:
Breast-ovarian cancer, familial, susceptibility to, 1 (BROVCA1). Also called: BRCA1 Hereditary Breast and Ovarian Cancer; OVARIAN CANCER, SUSCEPTIBILITY TO. Identifiers: Orphanet 145, MedGen C2676676, MONDO:0011450, OMIM 604370. Disease mechanism: loss of function.

Submissions (2):

Evidence-based Network for the Interpretation of Germline Mutant Alleles (ENIGMA)
Classification: Pathogenic for Breast-ovarian cancer, familial, susceptibility to, 1. Last evaluated: 2016-10-18. Review status: reviewed by expert panel. Criteria: ENIGMA BRCA1/2 Classification Criteria (2015). Collection method: curation. Allele origin: germline.
Comment: Variant allele predicted to encode a truncated non-functional protein.

Consortium of Investigators of Modifiers of BRCA1/2 (CIMBA), c/o University of Cambridge
Classification: Pathogenic for Breast-ovarian cancer, familial, susceptibility to, 1. Last evaluated: 2015-10-02. Review status: criteria provided, single submitter. Criteria: CIMBA Mutation Classification guidelines May 2016. Collection method: clinical testing. Allele origin: germline. Not counted in ClinVar's aggregate classification.